The following is an entry in ClinVar:

NM_001191057.4(PDE1C):c.1835A>G (p.Asn612Ser)

Gene: PDE1C (phosphodiesterase 1C; minus strand). Cytogenetic location: 7p14.3.
Variant type: single nucleotide variant.
Coding change: c.1835A>G on transcript NM_001191057.4 (MANE Select); coding-DNA position 1835, A replaced by G.
Protein change: p.Asn612Ser; replaces asparagine 612 with serine.
Molecular consequence: missense variant.
Genome position (GRCh38, 1-based): chr7:31,809,087, T>C on the plus strand (A>G on the coding strand, the complement: PDE1C is on the minus strand). VCF-style: chr7-31809087-T-C. GRCh37 (hg19) VCF-style: chr7-31848701-T-C.
Other names: c.1835A>G, p.Asn612Ser (NM_005020.5, NM_001191056.3, NM_001191059.4 and 3 more transcripts); c.2015A>G, p.Asn672Ser (NM_001191058.4, NM_001322058.2); c.2240A>G, p.Asn747Ser (NM_001322059.2); short protein forms N612S, N672S, N747S.
Identifiers: ClinVar variation 2630468 (VCV002630468.1), dbSNP rs748217658, ClinGen allele CA367166857.

ClinVar aggregate classification (germline): Uncertain significance (1 of 4 stars; one submission).

Conditions:
PDE1C-related disorder. Also called: PDE1C-related condition.

gnomAD v4.1: 2 of 1,592,320 alleles (0.00013%); highest among the groups gnomAD compares: Non-Finnish European, 0.00017%; no homozygotes.

Submission:

PreventionGenetics, part of Exact Sciences
Classification: Uncertain significance for PDE1C-related condition. Last evaluated: 2023-02-20. Review status: criteria provided, single submitter. Criteria: ACMG Guidelines, 2015. Collection method: clinical testing. Allele origin: germline.
Comment: The PDE1C c.2015A>G variant is predicted to result in the amino acid substitution p.Asn672Ser. To our knowledge, this variant has not been reported in the literature or in a large population database, indicating this variant is rare. At this time, the clinical significance of this variant is uncertain due to the absence of conclusive functional and genetic evidence.